The following is an entry in ClinVar:

ClinVar aggregate classification (germline): Uncertain significance (1 of 4 stars; one submission).

Conditions:
Retinal dystrophy, optic nerve edema, splenomegaly, anhidrosis, and migraine headache syndrome. Also called: ALPK1-Related Autoinflammatory Disease; Splenomegaly, cytopenia, and vision loss; Optic nerve edema-splenomegaly syndrome; ROSAH syndrome. Identifiers: Orphanet 313800, MedGen C4749914, MONDO:0013999, OMIM 614979.

Submission:

Laboratorio de Genetica e Diagnostico Molecular, Hospital Israelita Albert Einstein
Classification: Uncertain significance for Retinal dystrophy, optic nerve edema, splenomegaly, anhidrosis, and migraine headache syndrome. Last evaluated: 2025-02-11. Review status: criteria provided, single submitter. Criteria: ACMG Guidelines, 2015. Collection method: clinical testing. Allele origin: germline. Affected: yes.
Comment: ACMG classification criteria: PM2 supporting, BP4 supporting

NM_025144.4(ALPK1):c.2929C>A (p.Pro977Thr)

Gene: ALPK1 (alpha kinase 1; plus strand). Cytogenetic location: 4q25.
Variant type: single nucleotide variant.
Coding change: c.2929C>A on transcript NM_025144.4 (MANE Select); coding-DNA position 2929, C replaced by A.
Protein change: p.Pro977Thr; replaces proline 977 with threonine.
Molecular consequence: missense variant.
Genome position (GRCh38, 1-based): chr4:112,432,476, C>A. VCF-style: chr4-112432476-C-A. GRCh37 (hg19) VCF-style: chr4-113353632-C-A.
Other names: c.2929C>A, p.Pro977Thr (NM_001102406.2); c.2695C>A, p.Pro899Thr (NM_001253884.2); short protein forms P899T, P977T.
Identifiers: ClinVar variation 3901025 (VCV003901025.1).